The following is an entry in ClinVar:

ClinVar aggregate classification (germline): Benign/Likely benign. Review status: criteria provided, multiple submitters, no conflicts (2 of 4 stars). 3 submissions from 3 submitters: Benign (1); Likely benign (2). Last evaluated 2024-05-22.

Conditions:
Hereditary cancer-predisposing syndrome. Also called: Hereditary Cancer Syndrome; Neoplastic Syndromes, Hereditary; Tumor predisposition; Hereditary neoplastic syndrome. Identifiers: Orphanet 140162, MedGen C0027672, MeSH D009386, MONDO:0015356.
Familial cancer of breast. Also called: BREAST CANCER, FAMILIAL; Hereditary breast cancer; hereditary breast carcinoma. Identifiers: Orphanet 227535, MedGen C0346153, MONDO:0016419, OMIM 114480. Disease mechanism: loss of function.
Ataxia-telangiectasia syndrome (AT). Also called: Ataxia-telangiectasia, complementation group D; AT, COMPLEMENTATION GROUP C; ATAXIA-TELANGIECTASIA, COMPLEMENTATION GROUP A; ATAXIA-TELANGIECTASIA, FRESNO VARIANT; Ataxia-telangiectasia; LOUIS-BAR SYNDROME. Identifiers: Orphanet 100, MedGen C0004135, MONDO:0008840, OMIM 208900.

Allele frequency attached by ClinVar (database versions not stated): gnomAD 0.00001.
gnomAD v4.1: 1 of 1,613,768 alleles (0.000062%); highest among the groups gnomAD compares: African/African-American, 0.0013%; no homozygotes.

Submissions (3):

Myriad Genetics, Inc.
Classification: Benign for Familial cancer of breast. Last evaluated: 2024-05-22. Review status: criteria provided, single submitter. Criteria: Myriad Autosomal Dominant, Autosomal Recessive and X-Linked Classification Criteria (2023). Collection method: clinical testing. Allele origin: unknown.
Comment: This variant is considered benign. This variant is a silent/synonymous amino acid change and it is not expected to impact splicing.

Labcorp Genetics (formerly Invitae), Labcorp
Classification: Likely benign for Ataxia-telangiectasia syndrome. Last evaluated: 2022-06-08. Review status: criteria provided, single submitter. Criteria: Invitae Variant Classification Sherloc (09022015). Collection method: clinical testing. Allele origin: germline.

Ambry Genetics
Classification: Likely benign for Hereditary cancer-predisposing syndrome. Last evaluated: 2014-10-29. Review status: criteria provided, single submitter. Criteria: Ambry Variant Classification Scheme 2023. Collection method: clinical testing. Allele origin: germline.

NM_000051.4(ATM):c.5136C>T (p.Phe1712=)

Gene: ATM (ATM serine/threonine kinase; plus strand). Cytogenetic location: 11q22.3.
Variant type: single nucleotide variant.
Coding change: c.5136C>T on transcript NM_000051.4 (MANE Select); coding-DNA position 5136, C replaced by T.
Protein change: p.Phe1712=; no amino-acid change (phenylalanine 1712 retained).
Molecular consequence: synonymous variant.
Genome position (GRCh38, 1-based): chr11:108,299,844, C>T. VCF-style: chr11-108299844-C-T. GRCh37 (hg19) VCF-style: chr11-108170571-C-T.
Other names: c.5136C>T, p.Phe1712= (NM_001351834.2).
Identifiers: ClinVar variation 186976 (VCV000186976.13), dbSNP rs786203371, ClinGen allele CA196384.